The following is an entry in ClinVar:

NM_001348323.3(TRIP12):c.645G>A (p.Ala215=)

Gene: TRIP12 (thyroid hormone receptor interactor 12; minus strand). Cytogenetic location: 2q36.3.
Variant type: single nucleotide variant.
Coding change: c.645G>A on transcript NM_001348323.3 (MANE Select); coding-DNA position 645, G replaced by A.
Protein change: p.Ala215=; no amino-acid change (alanine 215 retained).
Molecular consequence: synonymous variant. On other transcripts: intron variant (1).
Genome position (GRCh38, 1-based): chr2:229,859,154, C>T on the plus strand (G>A on the coding strand, the complement: TRIP12 is on the minus strand). VCF-style: chr2-229859154-C-T. GRCh37 (hg19) VCF-style: chr2-230723870-C-T.
Other names: c.645G>A, p.Ala215= (NM_001284214.2, NM_001348315.2, NM_001348329.2 and 15 more transcripts); c.519G>A, p.Ala173= (NM_001284215.2, NM_001348331.1, NM_004238.3 and 3 more transcripts); c.98+20828G>A (NM_001284216.2).
Identifiers: ClinVar variation 2651988 (VCV002651988.25), dbSNP rs570076410, ClinGen allele CA2153478.

ClinVar aggregate classification (germline): Likely benign. Review status: criteria provided, multiple submitters, no conflicts (2 of 4 stars). 2 submissions from 2 submitters: Likely benign (2). Last evaluated 2026-07-01.

Allele frequency attached by ClinVar (database versions not stated): 1000 Genomes Project 0.00020; 1000 Genomes Project 30x 0.00031.
gnomAD v4.1: 157 of 1,614,152 alleles (0.0097%); highest among the groups gnomAD compares: South Asian, 0.16%; 1 homozygote.

Submissions (2):

CeGaT Center for Human Genetics Tuebingen
Classification: Likely benign. Last evaluated: 2026-07-01. Review status: criteria provided, single submitter. Criteria: CeGaT Center For Human Genetics Tuebingen Variant Classification Criteria Version 2. Collection method: clinical testing. Allele origin: germline. Affected: yes. Observed: 2 variant alleles.
Comment: TRIP12: BP4, BP7, BS1

Blueprint Genetics
Classification: Likely benign. Last evaluated: 2024-04-26. Review status: criteria provided, single submitter. Criteria: ACMG Guidelines, 2015. Collection method: clinical testing. Allele origin: germline.